The following is an entry in ClinVar:

NM_024757.5(EHMT1):c.575C>T (p.Pro192Leu)

Gene: EHMT1 (euchromatic histone lysine methyltransferase 1; plus strand). Cytogenetic location: 9q34.3.
Variant type: single nucleotide variant.
Coding change: c.575C>T on transcript NM_024757.5 (MANE Select); coding-DNA position 575, C replaced by T.
Protein change: p.Pro192Leu; replaces proline 192 with leucine.
Molecular consequence: missense variant.
Genome position (GRCh38, 1-based): chr9:137,717,115, C>T. VCF-style: chr9-137717115-C-T. GRCh37 (hg19) VCF-style: chr9-140611567-C-T.
Other names: c.575C>T, p.Pro192Leu (NM_001145527.2, NM_001354263.2, NM_001354611.2); c.482C>T, p.Pro161Leu (NM_001354259.2, NM_001354612.2); short protein forms P192L, P161L.
Identifiers: ClinVar variation 96166 (VCV000096166.41), dbSNP rs35285441, ClinGen allele CA223786.

ClinVar aggregate classification (germline): Conflicting classifications of pathogenicity. Review status: criteria provided, conflicting classifications (1 of 4 stars). 5 submissions from 5 submitters: Uncertain significance (1); Likely benign (3). 1 of the submissions does not count toward it. Last evaluated 2025-12-01.

Conditions:
EHMT1-related disorder. Also called: EHMT1-related condition.
Inborn genetic diseases. Identifiers: MedGen C0950123, MeSH D030342.
Kleefstra syndrome 1 (KLEFS1). Identifiers: Orphanet 261494, MedGen C0795833, MONDO:0027407, OMIM 610253.

Allele frequency attached by ClinVar (database versions not stated): gnomAD exomes 0.00010; gnomAD 0.00001; ExAC 0.00007; TOPMed 0.00003; ESP Exome Variant Server 0.00023.
gnomAD v4.1: 80 of 1,612,400 alleles (0.005%); highest among the groups gnomAD compares: East Asian, 0.011%; no homozygotes.

Submissions (5):

Labcorp Genetics (formerly Invitae), Labcorp
Classification: Likely benign for Kleefstra syndrome 1. Last evaluated: 2025-12-01. Review status: criteria provided, single submitter. Criteria: Invitae Variant Classification Sherloc (09022015). Collection method: clinical testing. Allele origin: germline.

Ambry Genetics
Classification: Likely benign for Inborn genetic diseases. Last evaluated: 2024-02-17. Review status: criteria provided, single submitter. Criteria: Ambry Variant Classification Scheme 2023. Collection method: clinical testing. Allele origin: germline.

CeGaT Center for Human Genetics Tuebingen
Classification: Likely benign. Last evaluated: 2023-01-01. Review status: criteria provided, single submitter. Criteria: CeGaT Center For Human Genetics Tuebingen Variant Classification Criteria Version 2. Collection method: clinical testing. Allele origin: germline. Affected: yes. Observed: 1 variant allele.
Comment: EHMT1: BP4, BS1

Eurofins Ntd Llc (ga)
Classification: Uncertain significance. Last evaluated: 2013-05-29. Review status: criteria provided, single submitter. Criteria: EGL Classification Definitions 2015. Collection method: clinical testing. Allele origin: germline. Observed: 1 variant allele, 1 heterozygote.

PreventionGenetics, part of Exact Sciences
Classification: Likely benign for EHMT1-related condition. Last evaluated: 2022-04-04. Review status: no assertion criteria provided. Collection method: clinical testing. Allele origin: germline. Not counted in ClinVar's aggregate classification.
Comment: This variant is classified as likely benign based on ACMG/AMP sequence variant interpretation guidelines (Richards et al. 2015 PMID: 25741868, with internal and published modifications).